The following is an entry in ClinVar:

NM_002473.6(MYH9):c.1136G>A (p.Gly379Asp)

Gene: MYH9 (myosin heavy chain 9; minus strand). Cytogenetic location: 22q12.3.
Variant type: single nucleotide variant.
Coding change: c.1136G>A on transcript NM_002473.6 (MANE Select); coding-DNA position 1136, G replaced by A.
Protein change: p.Gly379Asp; replaces glycine 379 with aspartic acid.
Molecular consequence: missense variant.
Genome position (GRCh38, 1-based): chr22:36,318,298, C>T on the plus strand (G>A on the coding strand, the complement: MYH9 is on the minus strand). VCF-style: chr22-36318298-C-T. GRCh37 (hg19) VCF-style: chr22-36714343-C-T.
Other names: short protein forms G379D.
Identifiers: ClinVar variation 2777612 (VCV002777612.4), dbSNP rs753318371, ClinGen allele CA10210367.

ClinVar aggregate classification (germline): Uncertain significance. Review status: criteria provided, multiple submitters, no conflicts (2 of 4 stars). 2 submissions from 2 submitters: Uncertain significance (2). Last evaluated 2025-12-10.

Conditions:
Autosomal dominant nonsyndromic hearing loss 17. Also called: Deafness, autosomal dominant 17; Autosomal dominant nonsyndromic deafness 17. Identifiers: Orphanet 90635, MedGen C1863659, MONDO:0011350, OMIM 603622.
Macrothrombocytopenia and granulocyte inclusions with or without nephritis or sensorineural hearing loss (MATINS). Also called: BLEEDING DISORDER, PLATELET-TYPE, 6; MACROTHROMBOCYTOPENIA WITH LEUKOCYTE INCLUSIONS; SEBASTIAN PLATELET SYNDROME; MACROTHROMBOCYTOPENIA WITH DISPERSED LEUKOCYTIC INCLUSIONS; MACROTHROMBOCYTOPENIA, NEPHRITIS, AND DEAFNESS; MACROTHROMBOCYTOPENIA, NEPHRITIS, DEAFNESS, AND LEUKOCYTE INCLUSIONS. Identifiers: Orphanet 182050, MedGen C5200934, MONDO:0015912, OMIM 155100.

Allele frequency attached by ClinVar (database versions not stated): gnomAD exomes below 0.00001; gnomAD 0.00001; ExAC 0.00002.
gnomAD v4.1: 5 of 1,613,998 alleles (0.00031%); highest among the groups gnomAD compares: Admixed American, 0.0033%; no homozygotes.

Submissions (2):

Labcorp Genetics (formerly Invitae), Labcorp
Classification: Uncertain significance. Last evaluated: 2025-12-10. Review status: criteria provided, single submitter. Criteria: Invitae Variant Classification Sherloc (09022015). Collection method: clinical testing. Allele origin: germline.
Comment: This sequence change replaces glycine, which is neutral and non-polar, with aspartic acid, which is acidic and polar, at codon 379 of the MYH9 protein (p.Gly379Asp). This variant is present in population databases (rs753318371, gnomAD 0.007%). This variant has not been reported in the literature in individuals affected with MYH9-related conditions. ClinVar contains an entry for this variant (Variation ID: 2777612). Invitae Evidence Modeling of protein sequence and biophysical properties (such as structural, functional, and spatial information, amino acid conservation, physicochemical variation, residue mobility, and thermodynamic stability) has been performed for this missense variant. However, the output from this modeling did not meet the statistical confidence thresholds required to predict the impact of this variant on MYH9 protein function. In summary, the available evidence is currently insufficient to determine the role of this variant in disease. Therefore, it has been classified as a Variant of Uncertain Significance.

Fulgent Genetics
Classification: Uncertain significance for Macrothrombocytopenia and granulocyte inclusions with or without nephritis or sensorineural hearing loss; Autosomal dominant nonsyndromic hearing loss 17. Last evaluated: 2024-06-11. Review status: criteria provided, single submitter. Criteria: ACMG Guidelines, 2015. Collection method: clinical testing. Allele origin: germline.